The following is an entry in ClinVar:

NM_005751.5(AKAP9):c.9452A>C (p.Gln3151Pro)

Gene: AKAP9 (A-kinase anchoring protein 9; plus strand). Cytogenetic location: 7q21.2.
Variant type: single nucleotide variant.
Coding change: c.9452A>C on transcript NM_005751.5 (MANE Select); coding-DNA position 9452, A replaced by C.
Protein change: p.Gln3151Pro; replaces glutamine 3151 with proline.
Molecular consequence: missense variant.
Genome position (GRCh38, 1-based): chr7:92,093,190, A>C. VCF-style: chr7-92093190-A-C. GRCh37 (hg19) VCF-style: chr7-91722504-A-C.
Other names: c.4097A>C, p.Gln1366Pro (NM_001379277.1); c.9428A>C, p.Gln3143Pro (NM_147185.3); short protein forms Q1366P, Q3143P, Q3151P.
Identifiers: ClinVar variation 1993532 (VCV001993532.4), dbSNP rs2535288731, ClinGen allele CA368147860.

ClinVar aggregate classification (germline): Uncertain significance (1 of 4 stars; one submission).

Conditions:
Long QT syndrome (LQTS). Identifiers: MedGen C0023976, MeSH D008133, MONDO:0002442. Disease mechanism: loss of function. Inheritance: Various modes of inheritance.

Allele frequency attached by ClinVar (database versions not stated): gnomAD exomes below 0.00001.
gnomAD v4.1: 1 of 1,614,228 alleles (0.000062%); highest among the groups gnomAD compares: Non-Finnish European, 0.000085%; no homozygotes.

Submission:

Labcorp Genetics (formerly Invitae), Labcorp
Classification: Uncertain significance for Long QT syndrome. Last evaluated: 2022-05-12. Review status: criteria provided, single submitter. Criteria: Invitae Variant Classification Sherloc (09022015). Collection method: clinical testing. Allele origin: germline.
Comment: Algorithms developed to predict the effect of missense changes on protein structure and function are either unavailable or do not agree on the potential impact of this missense change (SIFT: "Deleterious"; PolyPhen-2: "Probably Damaging"; Align-GVGD: "Class C0"). This variant has not been reported in the literature in individuals affected with AKAP9-related conditions. This variant is not present in population databases (gnomAD no frequency). This sequence change replaces glutamine, which is neutral and polar, with proline, which is neutral and non-polar, at codon 3151 of the AKAP9 protein (p.Gln3151Pro). In summary, the available evidence is currently insufficient to determine the role of this variant in disease. Therefore, it has been classified as a Variant of Uncertain Significance.